The following is an entry in ClinVar:

NM_000059.4(BRCA2):c.7811T>C (p.Leu2604Pro)

Gene: BRCA2 (BRCA2 DNA repair associated; plus strand). Cytogenetic location: 13q13.1.
Variant type: single nucleotide variant.
Coding change: c.7811T>C on transcript NM_000059.4 (MANE Select); coding-DNA position 7811, T replaced by C.
Protein change: p.Leu2604Pro; replaces leucine 2604 with proline.
Molecular consequence: missense variant.
Genome position (GRCh38, 1-based): chr13:32,362,528, T>C. VCF-style: chr13-32362528-T-C. GRCh37 (hg19) VCF-style: chr13-32936665-T-C.
Other names: NM_000059.4(BRCA2):c.7811T>C; 8039T>C; short protein forms L2604P.
Identifiers: ClinVar variation 96859 (VCV000096859.21), dbSNP rs431825357, ClinGen allele CA025295.

ClinVar aggregate classification (germline): Likely pathogenic. Review status: reviewed by expert panel (3 of 4 stars). 7 submissions from 7 submitters: Likely pathogenic (1). 6 of the submissions do not count toward it. Last evaluated 2025-12-02.

Conditions:
BRCA2-related cancer predisposition. Identifiers: MedGen CN377758, MONDO:0700269.
Hereditary cancer-predisposing syndrome. Also called: Hereditary Cancer Syndrome; Neoplastic Syndromes, Hereditary; Hereditary neoplastic syndrome; Tumor predisposition. Identifiers: Orphanet 140162, MedGen C0027672, MeSH D009386, MONDO:0015356.
Hereditary breast ovarian cancer syndrome. Also called: Breast and ovarian cancer; Hereditary breast and/or ovarian cancer syndrome; Hereditary breast and ovarian cancer; Hereditary breast and ovarian cancer syndrome; Hereditary breast and ovarian cancer syndrome (HBOC); BRCA1- and BRCA2-Associated Hereditary Breast and Ovarian Cancer. Identifiers: Orphanet 145, MedGen C0677776, MeSH D061325, MONDO:0003582. Disease mechanism: loss of function.
Breast-ovarian cancer, familial, susceptibility to, 2 (BROVCA2). Also called: BRCA2 Hereditary Breast and Ovarian Cancer. Identifiers: Orphanet 145, MedGen C2675520, MONDO:0012933, OMIM 612555. Disease mechanism: loss of function.

Submissions (7):

ClinGen ENIGMA BRCA1 and BRCA2 Variant Curation Expert Panel, ClinGen
Classification: Likely pathogenic for BRCA2-related cancer predisposition. Last evaluated: 2025-12-02. Review status: reviewed by expert panel. Criteria: CSpec BRCA12ACMG Rules Specifications V1.1. Collection method: curation. Allele origin: germline. Inheritance: Autosomal dominant inheritance.
Comment: The c.7811T>C variant in BRCA2 is a missense variant predicted to cause substitution of Leucine by Proline at amino acid 2604 (p.(Leu2604Pro)). This variant is absent from gnomAD v2.1 (exomes only, non-cancer subset, read depth ≥25) and gnomAD v3.1 (non-cancer subset, read depth ≥25) (PM2_Supporting met). Reported by four calibrated studies to exhibit protein function similar to pathogenic control variants (PMIDs:38417439, 32444794, 39779857, 39779848) (PS3 met). This BRCA2 missense variant is within a key functional domain and the computational predictor BayesDel (noAF) gives a score of 0.44, above the recommended threshold of 0.30 for prediction of impact on BRCA2 function via protein change. A SpliceAI score of 0.03 predicts no impact on splicing (score threshold <0.10) (PP3 met). Multifactorial likelihood ratio analysis using clinically calibrated data produced a combined LR for this variant of 0.922 (based on Family History LR=0.922), which is above the ENIGMA BRCA1/2 VCEP threshold for BP5 (>0.48) and below PP4 (<2.08) (BP5 and PP4 not met; PMID:31853058). In summary, this variant meets the criteria to be classified as a Likely pathogenic variant for BRCA2-related cancer predisposition based on the ACMG/AMP criteria applied as specified by the ENIGMA BRCA1/2 VCEP (PM2_Supporting, PS3, PP3).

Color Diagnostics, LLC DBA Color Health
Classification: Likely pathogenic for Hereditary cancer-predisposing syndrome. Last evaluated: 2025-06-16. Review status: criteria provided, single submitter. Criteria: ACMG Guidelines, 2015. Collection method: clinical testing. Allele origin: germline. Not counted in ClinVar's aggregate classification.
Comment: This missense variant replaces leucine with proline at codon 2604 of the BRCA2 protein. Computational prediction suggests that this variant may have deleterious impact on protein structure and function. Functional studies have reported that this variant impacted BRCA2 function in a homology-directed DNA repair assay and sensitivity assays to cisplatin, carboplatin and PARP inhibitors (PMID: 32444794, 33609447, 35736817, 39779848, 39779857). This variant has been reported in individuals affected with breast cancer in the literature (PMID: 29805665, 29752822). Multifactorial analysis has a combined likelihood ratio of 4.2428 based on segregation and personal and family history (PMID: 31853058, 32773770Color internal data). This variant has not been identified in the general population by the Genome Aggregation Database (gnomAD). Based on the available evidence, this variant is classified as Likely Pathogenic.

Labcorp Genetics (formerly Invitae), Labcorp
Classification: Uncertain significance for Hereditary breast ovarian cancer syndrome. Last evaluated: 2024-12-28. Review status: criteria provided, single submitter. Criteria: Invitae Variant Classification Sherloc (09022015). Collection method: clinical testing. Allele origin: germline. Not counted in ClinVar's aggregate classification.
Comment: This sequence change replaces leucine, which is neutral and non-polar, with proline, which is neutral and non-polar, at codon 2604 of the BRCA2 protein (p.Leu2604Pro). This variant is not present in population databases (gnomAD no frequency). This missense change has been observed in individual(s) with a personal or family history of breast and/or ovarian cancer (PMID: 29752822). ClinVar contains an entry for this variant (Variation ID: 96859). Invitae Evidence Modeling incorporating data from in vitro experimental studies (PMID: 33609447) indicates that this missense variant is expected to disrupt BRCA2 function with a positive predictive value of 95%. Experimental studies have shown that this missense change affects BRCA2 function (PMID: 35736817). In summary, the available evidence is currently insufficient to determine the role of this variant in disease. Therefore, it has been classified as a Variant of Uncertain Significance.

Ambry Genetics
Classification: Pathogenic for Hereditary cancer-predisposing syndrome. Last evaluated: 2024-07-26. Review status: criteria provided, single submitter. Criteria: Ambry Variant Classification Scheme 2023. Collection method: clinical testing. Allele origin: germline. Not counted in ClinVar's aggregate classification.
Comment: The p.L2604P pathogenic mutation (also known as c.7811T>C), located in coding exon 16 of the BRCA2 gene, results from a T to C substitution at nucleotide position 7811. The leucine at codon 2604 is replaced by proline, an amino acid with similar properties. This variant was non-functional in a homology-directed DNA repair (HDR) assay (Richardson ME et al. Am J Hum Genet, 2021 Mar;108:458-468). In addition, in multiple other assays testing BRCA2 function, this variant showed functionally abnormal results (Ikegami M et al. Nat Commun, 2020 May;11:2573; Hu C et al. Am J Hum Genet, 2024 Mar;111:584-593). Based on internal structural assessment, this alteration is expected to destabilize the HD domain, in which other pathogenic alterations are present (Yang H et al. Science, 2002 Sep;297:1837-48). This amino acid position is highly conserved in available vertebrate species. In addition, this alteration is predicted to be deleterious by in silico analysis. This variant is considered to be rare based on population cohorts in the Genome Aggregation Database (gnomAD). Based on the supporting evidence, this variant is interpreted as a disease-causing mutation.

GeneDx
Classification: Uncertain significance. Last evaluated: 2020-10-20. Review status: criteria provided, single submitter. Criteria: GeneDx Variant Classification Process June 2021. Collection method: clinical testing. Allele origin: germline. Affected: yes. Not counted in ClinVar's aggregate classification.
Comment: Not observed in large population cohorts (Lek et al., 2016); In silico analysis supports that this missense variant does not alter protein structure/function; This variant is associated with the following publications: (PMID: 29752822, 29805665, 32444794)

ARUP Laboratories, Molecular Genetics and Genomics, ARUP Laboratories
Classification: Uncertain significance. Last evaluated: 2017-08-03. Review status: criteria provided, single submitter. Criteria: ARUP Molecular Germline Variant Investigation Process. Collection method: clinical testing. Allele origin: germline. Not counted in ClinVar's aggregate classification.

Sharing Clinical Reports Project (SCRP)
Classification: Uncertain significance for Breast-ovarian cancer, familial 2. Last evaluated: 2013-03-11. Review status: no assertion criteria provided. Collection method: clinical testing. Allele origin: germline. Not counted in ClinVar's aggregate classification.

Literature cited by the submitters: PubMed 29752822 (cited by Color Diagnostics, LLC DBA Color Health and Labcorp Genetics (formerly Invitae), Labcorp); PubMed 29805665 (cited by Color Diagnostics, LLC DBA Color Health); PubMed 31853058 (cited by Color Diagnostics, LLC DBA Color Health); PubMed 32444794 (cited by Color Diagnostics, LLC DBA Color Health and Ambry Genetics); PubMed 32773770 (cited by Color Diagnostics, LLC DBA Color Health); PubMed 33609447 (cited by 3 submitters); PubMed 35736817 (cited by Color Diagnostics, LLC DBA Color Health and Labcorp Genetics (formerly Invitae), Labcorp); PubMed 39779848 (cited by Color Diagnostics, LLC DBA Color Health); PubMed 39779857 (cited by Color Diagnostics, LLC DBA Color Health); PubMed 12228710 (cited by Ambry Genetics); PubMed 38417439 (cited by Ambry Genetics).